The following is an entry in ClinVar:

NM_004539.4(NARS1):c.1319T>C (p.Phe440Ser)

Gene: NARS1 (asparaginyl-tRNA synthetase 1; minus strand). Cytogenetic location: 18q21.31.
Variant type: single nucleotide variant.
Coding change: c.1319T>C on transcript NM_004539.4 (MANE Select); coding-DNA position 1319, T replaced by C.
Protein change: p.Phe440Ser; replaces phenylalanine 440 with serine.
Molecular consequence: missense variant.
Genome position (GRCh38, 1-based): chr18:57,602,876, A>G on the plus strand (T>C on the coding strand, the complement: NARS1 is on the minus strand). VCF-style: chr18-57602876-A-G. GRCh37 (hg19) VCF-style: chr18-55270108-A-G.
Other names: short protein forms F440S.
Identifiers: ClinVar variation 3341007 (VCV003341007.3).

ClinVar aggregate classification (germline): Conflicting classifications of pathogenicity. Review status: criteria provided, conflicting classifications (1 of 4 stars). 2 submissions from 2 submitters: Likely pathogenic (1); Uncertain significance (1). Last evaluated 2026-03-26.

Submissions (2):

Dasa
Classification: Uncertain significance. Last evaluated: 2026-03-26. Review status: criteria provided, single submitter. Criteria: DASA Assertion Criteria. Collection method: clinical testing. Allele origin: germline.
Comment: NM_004539.4(NARS):c.1319T>C (p.Phe440Ser) is a missense variant that results in the substitution of phenylalanine with serine. This variant is rare in population databases. Computational prediction algorithms are consistent with a deleterious effect. The currently available literature and clinical evidence are not sufficient to establish a definitive association between this variant and the reported condition. Therefore, this variant is classified as a variant of uncertain significance.

GeneDx
Classification: Likely pathogenic. Last evaluated: 2026-01-28. Review status: criteria provided, single submitter. Criteria: GeneDx Variant Classification Process June 2021. Collection method: clinical testing. Allele origin: germline.
Comment: In silico analysis supports that this missense variant has a deleterious effect on protein structure/function; Has not been previously published as pathogenic or benign to our knowledge; Not observed at significant frequency in large population cohorts (gnomAD)